The following is an entry in ClinVar:

NM_015040.4(PIKFYVE):c.1770C>T (p.Asn590=)

Gene: PIKFYVE (phosphoinositide kinase, FYVE-type zinc finger containing; plus strand). Cytogenetic location: 2q34.
Variant type: single nucleotide variant.
Coding change: c.1770C>T on transcript NM_015040.4 (MANE Select); coding-DNA position 1770, C replaced by T.
Protein change: p.Asn590=; no amino-acid change (asparagine 590 retained).
Molecular consequence: synonymous variant.
Genome position (GRCh38, 1-based): chr2:208,314,367, C>T. VCF-style: chr2-208314367-C-T. GRCh37 (hg19) VCF-style: chr2-209179091-C-T.
Identifiers: ClinVar variation 333892 (VCV000333892.11), dbSNP rs61752185, ClinGen allele CA2079636.

ClinVar aggregate classification (germline): Benign. Review status: criteria provided, multiple submitters, no conflicts (2 of 4 stars). 2 submissions from 2 submitters: Benign (2). Last evaluated 2025-12-08.

Conditions:
Fleck corneal dystrophy (CFD). Also called: CORNEAL DYSTROPHY, FRANCOIS-NEETENS SPECKLED OR FLECKED. Identifiers: Orphanet 98970, MedGen C1562113, MONDO:0007376, OMIM 121850.

Allele frequency attached by ClinVar (database versions not stated): 1000 Genomes Project 0.00080; 1000 Genomes Project 30x 0.00094; gnomAD 0.00125 and 0.00127; TOPMed 0.00127; gnomAD exomes 0.00140; ExAC 0.00148; ESP Exome Variant Server 0.00185.
gnomAD v4.1: 3,442 of 1,613,980 alleles (0.21%); highest among the groups gnomAD compares: Non-Finnish European, 0.26%; 8 homozygotes.

Submissions (2):

Labcorp Genetics (formerly Invitae), Labcorp
Classification: Benign. Last evaluated: 2025-12-08. Review status: criteria provided, single submitter. Criteria: Invitae Variant Classification Sherloc (09022015). Collection method: clinical testing. Allele origin: germline.

Illumina Laboratory Services, Illumina
Classification: Benign for Fleck corneal dystrophy. Last evaluated: 2018-01-13. Review status: criteria provided, single submitter. Criteria: ICSL Variant Classification Criteria 13 December 2019. Collection method: clinical testing. Allele origin: germline.
Comment: This variant was observed in the ICSL laboratory as part of a predisposition screen in an ostensibly healthy population. It had not been previously curated by ICSL or reported in the Human Gene Mutation Database (HGMD: prior to June 1st, 2018), and was therefore a candidate for classification through an automated scoring system. Utilizing variant allele frequency, disease prevalence and penetrance estimates, and inheritance mode, an automated score was calculated to assess if this variant is too frequent to cause the disease. Based on the score and internal cut-off values, a variant classified as benign is not then subjected to further curation. The score for this variant resulted in a classification of benign for this disease.